The following is an entry in ClinVar:

ClinVar aggregate classification (germline): Likely benign (0 of 4 stars; one submission).

Conditions:
HADHB-related disorder. Also called: HADHB-related condition.

Allele frequency attached by ClinVar (database versions not stated): gnomAD 0.00006; TOPMed 0.00008; 1000 Genomes Project 0.00479; 1000 Genomes Project 30x 0.00531.

Submission:

PreventionGenetics, part of Exact Sciences
Classification: Likely benign for HADHB-related condition. Last evaluated: 2023-12-13. Review status: no assertion criteria provided. Collection method: clinical testing. Allele origin: germline.
Comment: This variant is classified as likely benign based on ACMG/AMP sequence variant interpretation guidelines (Richards et al. 2015 PMID: 25741868, with internal and published modifications).

NC_000002.12:g.26244823G>T

Gene: HADHB (hydroxyacyl-CoA dehydrogenase trifunctional multienzyme complex subunit beta; plus strand). Cytogenetic location: 2p23.3.
Variant type: single nucleotide variant.
Genome position: GRCh38 VCF-style: chr2-26244823-G-T. GRCh37 (hg19) VCF-style: chr2-26467691-G-T.
Identifiers: ClinVar variation 335397 (VCV000335397.9), dbSNP rs574318006, ClinGen allele CA10614838.